The following is an entry in ClinVar:

ClinVar aggregate classification (germline): Uncertain significance (1 of 4 stars; one submission).

Allele frequency attached by ClinVar (database versions not stated): gnomAD 0.00001; ExAC 0.00002; TOPMed 0.00002; gnomAD exomes 0.00003.
gnomAD v4.1: 40 of 1,611,312 alleles (0.0025%); highest among the groups gnomAD compares: Admixed American, 0.005%; no homozygotes.

Submission:

Labcorp Genetics (formerly Invitae), Labcorp
Classification: Uncertain significance. Last evaluated: 2025-06-12. Review status: criteria provided, single submitter. Criteria: Invitae Variant Classification Sherloc (09022015). Collection method: clinical testing. Allele origin: germline.
Comment: This sequence change replaces arginine, which is basic and polar, with glutamine, which is neutral and polar, at codon 1495 of the PLCE1 protein (p.Arg1495Gln). This variant is present in population databases (rs771124727, gnomAD 0.004%). This variant has not been reported in the literature in individuals affected with PLCE1-related conditions. ClinVar contains an entry for this variant (Variation ID: 2165495). Invitae Evidence Modeling of protein sequence and biophysical properties (such as structural, functional, and spatial information, amino acid conservation, physicochemical variation, residue mobility, and thermodynamic stability) indicates that this missense variant is not expected to disrupt PLCE1 protein function with a negative predictive value of 80%. In summary, the available evidence is currently insufficient to determine the role of this variant in disease. Therefore, it has been classified as a Variant of Uncertain Significance.

NM_016341.4(PLCE1):c.4484G>A (p.Arg1495Gln)

Gene: PLCE1 (phospholipase C epsilon 1; plus strand). Cytogenetic location: 10q23.33.
Variant type: single nucleotide variant.
Coding change: c.4484G>A on transcript NM_016341.4 (MANE Select); coding-DNA position 4484, G replaced by A.
Protein change: p.Arg1495Gln; replaces arginine 1495 with glutamine.
Molecular consequence: missense variant.
Genome position (GRCh38, 1-based): chr10:94,270,580, G>A. VCF-style: chr10-94270580-G-A. GRCh37 (hg19) VCF-style: chr10-96030337-G-A.
Other names: c.3560G>A, p.Arg1187Gln (NM_001165979.2); c.4436G>A, p.Arg1479Gln (NM_001288989.2); short protein forms R1479Q, R1495Q, R1187Q.
Identifiers: ClinVar variation 2165495 (VCV002165495.2), dbSNP rs771124727, ClinGen allele CA5613146.